The following is an entry in ClinVar:

ClinVar aggregate classification (germline): Uncertain significance (1 of 4 stars; one submission).

Allele frequency attached by ClinVar (database versions not stated): gnomAD exomes below 0.00001; ExAC 0.00001.
gnomAD v4.1: 1 of 1,613,948 alleles (0.000062%); highest among the groups gnomAD compares: Non-Finnish European, 0.000085%; no homozygotes.

Submission:

Labcorp Genetics (formerly Invitae), Labcorp
Classification: Uncertain significance. Last evaluated: 2023-12-11. Review status: criteria provided, single submitter. Criteria: Invitae Variant Classification Sherloc (09022015). Collection method: clinical testing. Allele origin: germline.
Comment: This sequence change replaces aspartic acid, which is acidic and polar, with asparagine, which is neutral and polar, at codon 714 of the IMPG2 protein (p.Asp714Asn). This variant is present in population databases (rs773118241, gnomAD 0.0009%). This variant has not been reported in the literature in individuals affected with IMPG2-related conditions. ClinVar contains an entry for this variant (Variation ID: 1058524). Advanced modeling of protein sequence and biophysical properties (such as structural, functional, and spatial information, amino acid conservation, physicochemical variation, residue mobility, and thermodynamic stability) performed at Invitae indicates that this missense variant is not expected to disrupt IMPG2 protein function with a negative predictive value of 80%. In summary, the available evidence is currently insufficient to determine the role of this variant in disease. Therefore, it has been classified as a Variant of Uncertain Significance.

NM_016247.4(IMPG2):c.2140G>A (p.Asp714Asn)

Gene: IMPG2 (interphotoreceptor matrix proteoglycan 2; minus strand). Cytogenetic location: 3q12.3.
Variant type: single nucleotide variant.
Coding change: c.2140G>A on transcript NM_016247.4 (MANE Select); coding-DNA position 2140, G replaced by A.
Protein change: p.Asp714Asn; replaces aspartic acid 714 with asparagine.
Molecular consequence: missense variant.
Genome position (GRCh38, 1-based): chr3:101,244,191, C>T on the plus strand (G>A on the coding strand, the complement: IMPG2 is on the minus strand). VCF-style: chr3-101244191-C-T. GRCh37 (hg19) VCF-style: chr3-100963035-C-T.
Other names: short protein forms D714N.
Identifiers: ClinVar variation 1058524 (VCV001058524.9), dbSNP rs773118241, ClinGen allele CA2519036.
Genomic context (GRCh38, chr3:101,244,191, plus strand): 5'-CAGTAGAGGCAGAGATTGCTACAGATGTCAGTATAAGAGGTGCTTTGGTAACTGAGTAAT[C>T]ATCAACACCAGGTACTTCTGATATGTGCTTGGGGAGGGTTAGAGACGCAGATTCAGCTGC-3'
Protein context (NP_057331.2, residues 704-724): KHISEVPGVD[Asp714Asn]YSVTKAPLIL